The following is an entry in ClinVar:

ClinVar aggregate classification (germline): Pathogenic (1 of 4 stars; one submission).

Submission:

GeneDx
Classification: Pathogenic. Last evaluated: 2018-05-23. Review status: criteria provided, single submitter. Criteria: GeneDx Variant Classification (06012015). Collection method: clinical testing. Allele origin: germline. Affected: yes.
Comment: A pathogenic variant has been identified in the TSC1 gene. The K886X nonsense variant in the TSC1 gene is predicted to cause loss of normal protein function either through protein truncation or nonsense-mediated mRNA decay. The The K886X variant has been reported in a patient with a clinical diagnosis of TSC (TSC1 LOVD). The K886X variant is not observed in large population cohorts (Lek et al., 2016).

NM_000368.5(TSC1):c.2656A>T (p.Lys886Ter)

Gene: TSC1 (TSC complex subunit 1; minus strand). Cytogenetic location: 9q34.13.
Variant type: single nucleotide variant.
Coding change: c.2656A>T on transcript NM_000368.5 (MANE Select); coding-DNA position 2656, A replaced by T.
Protein change: p.Lys886Ter; replaces lysine 886 with a stop codon.
Molecular consequence: nonsense.
Genome position (GRCh38, 1-based): chr9:132,897,580, T>A on the plus strand (A>T on the coding strand, the complement: TSC1 is on the minus strand). VCF-style: chr9-132897580-T-A. GRCh37 (hg19) VCF-style: chr9-135772967-T-A.
Other names: c.2653A>T, p.Lys885Ter (NM_001162426.2); c.2503A>T, p.Lys835Ter (NM_001162427.2); c.2293A>T, p.Lys765Ter (NM_001362177.2); short protein forms K886*, K765*, K885*, K835*.
Identifiers: ClinVar variation 546490 (VCV000546490.2), dbSNP rs1554813568, ClinGen allele CA375369610.
Genomic context (GRCh38, chr9:132,897,580, plus strand): 5'-GGGAGGTATCAAGCCTCTGAGTCTGCTGGAGAACATGGCTTCTGTTTTTTTCTAGCTCTT[T>A]CCGATAGGCGGCTTTCATCATTTCTACTTCCTGAAAAAAAAAAAAAAAAAAGACTGGAAT-3'